The following is an entry in ClinVar:

ClinVar aggregate classification (germline): Likely benign (1 of 4 stars; one submission).

Submission:

CeGaT Center for Human Genetics Tuebingen
Classification: Likely benign. Last evaluated: 2025-04-01. Review status: criteria provided, single submitter. Criteria: CeGaT Center For Human Genetics Tuebingen Variant Classification Criteria Version 2. Collection method: clinical testing. Allele origin: germline. Affected: yes. Observed: 1 variant allele.
Comment: WT1: PM2:Supporting, BP4, BP7

NM_024426.6(WT1):c.661+733G>A

Genes: WT1 (WT1 transcription factor; minus strand), LOC107982234 (WT1/WT1-AS bi-directional promoter region; plus strand). Cytogenetic location: 11p13.
Variant type: single nucleotide variant.
Coding change: c.661+733G>A on transcript NM_024426.6 (MANE Select); 733 bases into the intron after coding-DNA position 661, G replaced by A.
Molecular consequence: intron variant. On other transcripts: 5 prime UTR variant (1).
Genome position (GRCh38, 1-based): chr11:32,433,967, C>T on the plus strand (G>A on the coding strand, the complement: WT1 is on the minus strand). VCF-style: chr11-32433967-C-T. GRCh37 (hg19) VCF-style: chr11-32455513-C-T.
Other names: c.-304G>A (NM_001407051.1); c.661+733G>A (NM_001407050.1, NM_001407047.1, NM_001407048.1 and 6 more transcripts); c.442+733G>A (NM_001429034.1, NM_001429033.1, NM_001429032.1 and 1 more transcripts).
Identifiers: ClinVar variation 3898585 (VCV003898585.7).